The following is an entry in ClinVar:

ClinVar aggregate classification (germline): Uncertain significance (1 of 4 stars; one submission).

Allele frequency attached by ClinVar (database versions not stated): gnomAD exomes below 0.00001; TOPMed below 0.00001.
gnomAD v4.1: 2 of 1,594,100 alleles (0.00013%); highest among the groups gnomAD compares: Non-Finnish European, 0.00017%; no homozygotes.

Submission:

Labcorp Genetics (formerly Invitae), Labcorp
Classification: Uncertain significance. Last evaluated: 2021-07-27. Review status: criteria provided, single submitter. Criteria: Invitae Variant Classification Sherloc (09022015). Collection method: clinical testing. Allele origin: germline.
Comment: In summary, the available evidence is currently insufficient to determine the role of this variant in disease. Therefore, it has been classified as a Variant of Uncertain Significance. Algorithms developed to predict the effect of missense changes on protein structure and function (SIFT, PolyPhen-2, Align-GVGD) all suggest that this variant is likely to be tolerated. This variant has not been reported in the literature in individuals affected with SNRNP200-related conditions. This variant is not present in population databases (ExAC no frequency). This sequence change replaces alanine with threonine at codon 1508 of the SNRNP200 protein (p.Ala1508Thr). The alanine residue is moderately conserved and there is a small physicochemical difference between alanine and threonine.

NM_014014.5(SNRNP200):c.4522G>A (p.Ala1508Thr)

Gene: SNRNP200 (small nuclear ribonucleoprotein U5 subunit 200; minus strand). Cytogenetic location: 2q11.2.
Variant type: single nucleotide variant.
Coding change: c.4522G>A on transcript NM_014014.5 (MANE Select); coding-DNA position 4522, G replaced by A.
Protein change: p.Ala1508Thr; replaces alanine 1508 with threonine.
Molecular consequence: missense variant.
Genome position (GRCh38, 1-based): chr2:96,283,875, C>T on the plus strand (G>A on the coding strand, the complement: SNRNP200 is on the minus strand). VCF-style: chr2-96283875-C-T. GRCh37 (hg19) VCF-style: chr2-96949613-C-T.
Other names: short protein forms A1508T.
Identifiers: ClinVar variation 1389535 (VCV001389535.8), dbSNP rs2063824819, ClinGen allele CA347665045.